The following is an entry in ClinVar:

ClinVar aggregate classification (germline): Uncertain significance (1 of 4 stars; one submission).

Allele frequency attached by ClinVar (database versions not stated): TOPMed 0.00003.
gnomAD v4.1: 8 of 1,614,108 alleles (0.0005%); highest among the groups gnomAD compares: Admixed American, 0.013%; no homozygotes.

Submission:

Labcorp Genetics (formerly Invitae), Labcorp
Classification: Uncertain significance. Last evaluated: 2025-07-19. Review status: criteria provided, single submitter. Criteria: Invitae Variant Classification Sherloc (09022015). Collection method: clinical testing. Allele origin: germline.
Comment: This sequence change replaces glycine, which is neutral and non-polar, with arginine, which is basic and polar, at codon 474 of the HYOU1 protein (p.Gly474Arg). This variant is present in population databases (rs781819817, gnomAD 0.02%). This variant has not been reported in the literature in individuals affected with HYOU1-related conditions. ClinVar contains an entry for this variant (Variation ID: 1922255). An algorithm developed to predict the effect of missense changes on protein structure and function (PolyPhen-2) suggests that this variant is likely to be disruptive. In summary, the available evidence is currently insufficient to determine the role of this variant in disease. Therefore, it has been classified as a Variant of Uncertain Significance.

NM_006389.5(HYOU1):c.1420G>A (p.Gly474Arg)

Gene: HYOU1 (hypoxia up-regulated 1; minus strand). Cytogenetic location: 11q23.3.
Variant type: single nucleotide variant.
Coding change: c.1420G>A on transcript NM_006389.5 (MANE Select); coding-DNA position 1420, G replaced by A.
Protein change: p.Gly474Arg; replaces glycine 474 with arginine.
Molecular consequence: missense variant.
Genome position (GRCh38, 1-based): chr11:119,051,544, C>T on the plus strand (G>A on the coding strand, the complement: HYOU1 is on the minus strand). VCF-style: chr11-119051544-C-T. GRCh37 (hg19) VCF-style: chr11-118922256-C-T.
Other names: c.1420G>A, p.Gly474Arg (NM_001130991.3, NM_001411041.1); short protein forms G474R.
Identifiers: ClinVar variation 1922255 (VCV001922255.5), dbSNP rs781819817, ClinGen allele CA229621912.